The following is an entry in ClinVar:

ClinVar aggregate classification (germline): Benign. Review status: criteria provided, multiple submitters, no conflicts (2 of 4 stars). 6 submissions from 6 submitters: Benign (5). 1 of the submissions does not count toward it. Last evaluated 2025-07-25.

Conditions:
SLCO1B1-related disorder. Also called: SLCO1B1-related condition.
Rotor syndrome (HBLRR). Also called: HYPERBILIRUBINEMIA, ROTOR TYPE, DIGENIC; HYPERBILIRUBINEMIA, ROTOR TYPE. Identifiers: Orphanet 3111, MedGen C0220991, MONDO:0009379, OMIM 237450.

Allele frequency attached by ClinVar (database versions not stated): gnomAD exomes 0.00165 and 0.00423; ExAC 0.00523; gnomAD 0.01674 and 0.01802; TOPMed 0.01866; 1000 Genomes Project 0.01977; ESP Exome Variant Server 0.01992; 1000 Genomes Project 30x 0.02108.
gnomAD v4.1: 5,043 of 1,611,978 alleles (0.31%); highest among the groups gnomAD compares: African/African-American, 5.9%; 128 homozygotes.

Submissions (6):

ARUP Laboratories, Molecular Genetics and Genomics, ARUP Laboratories
Classification: Benign for Rotor syndrome. Last evaluated: 2025-07-25. Review status: criteria provided, single submitter. Criteria: ARUP Molecular Germline Variant Investigation Process 2024. Collection method: clinical testing. Allele origin: germline.

GeneDx
Classification: Benign. Last evaluated: 2021-05-06. Review status: criteria provided, single submitter. Criteria: GeneDx Variant Classification Process June 2021. Collection method: clinical testing. Allele origin: germline. Affected: yes.

Labcorp Genetics (formerly Invitae), Labcorp
Classification: Benign. Last evaluated: 2018-07-18. Review status: criteria provided, single submitter. Criteria: Invitae Variant Classification Sherloc (09022015). Collection method: clinical testing. Allele origin: germline.

Illumina Laboratory Services, Illumina
Classification: Benign for Rotor syndrome. Last evaluated: 2018-01-13. Review status: criteria provided, single submitter. Criteria: ICSL Variant Classification Criteria 13 December 2019. Collection method: clinical testing. Allele origin: germline.
Comment: This variant was observed in the ICSL laboratory as part of a predisposition screen in an ostensibly healthy population. It had not been previously curated by ICSL or reported in the Human Gene Mutation Database (HGMD: prior to June 1st, 2018), and was therefore a candidate for classification through an automated scoring system. Utilizing variant allele frequency, disease prevalence and penetrance estimates, and inheritance mode, an automated score was calculated to assess if this variant is too frequent to cause the disease. Based on the score and internal cut-off values, a variant classified as benign is not then subjected to further curation. The score for this variant resulted in a classification of benign for this disease.

Breakthrough Genomics
Classification: Benign. Review status: criteria provided, single submitter. Criteria: ACMG Guidelines, 2015. Collection method: not provided. Allele origin: germline. Inheritance: Autosomal recessive inheritance. Affected: yes.

PreventionGenetics, part of Exact Sciences
Classification: Benign for SLCO1B1-related condition. Last evaluated: 2019-06-05. Review status: no assertion criteria provided. Collection method: clinical testing. Allele origin: germline. Not counted in ClinVar's aggregate classification.
Comment: This variant is classified as benign based on ACMG/AMP sequence variant interpretation guidelines (Richards et al. 2015 PMID: 25741868, with internal and published modifications).

NM_006446.5(SLCO1B1):c.1086C>T (p.Tyr362=)

Gene: SLCO1B1 (solute carrier organic anion transporter family member 1B1; plus strand). Cytogenetic location: 12p12.1.
Variant type: single nucleotide variant.
Coding change: c.1086C>T on transcript NM_006446.5 (MANE Select); coding-DNA position 1086, C replaced by T.
Protein change: p.Tyr362=; no amino-acid change (tyrosine 362 retained).
Molecular consequence: synonymous variant.
Genome position (GRCh38, 1-based): chr12:21,200,623, C>T. VCF-style: chr12-21200623-C-T. GRCh37 (hg19) VCF-style: chr12-21353557-C-T.
Other names: c.1086C>T (LRG_1022t1).
Identifiers: ClinVar variation 307944 (VCV000307944.24), dbSNP rs57040246, ClinGen allele CA6476908.